The following is an entry in ClinVar:

NM_004706.4(ARHGEF1):c.1121+5C>T

Gene: ARHGEF1 (Rho guanine nucleotide exchange factor 1; plus strand). Cytogenetic location: 19q13.2.
Variant type: single nucleotide variant.
Coding change: c.1121+5C>T on transcript NM_004706.4 (MANE Select); 5 bases into the intron after coding-DNA position 1121, C replaced by T.
Molecular consequence: intron variant.
Genome position (GRCh38, 1-based): chr19:41,896,487, C>T. VCF-style: chr19-41896487-C-T. GRCh37 (hg19) VCF-style: chr19-42400560-C-T.
Other names: c.1022+5C>T (NM_198977.2); c.1166+5C>T (NM_199002.2).
Identifiers: ClinVar variation 1350536 (VCV001350536.6), dbSNP rs375093075, ClinGen allele CA9466200.
Genomic context (GRCh38, chr19:41,896,487, plus strand): 5'-AGCCTGGAGTCCTTGGCGCCCCCAGAGAGTACCGACGAGGGGGCCGAAACCGAGAGGTGC[C>T]CAGGCTGGGGTGCAGGGGCGGGAGGTGTGGCTTACTGGGCGCTGGTGGGTGGGTGCAGGG-3'

ClinVar aggregate classification (germline): Uncertain significance (1 of 4 stars; one submission).

Allele frequency attached by ClinVar (database versions not stated): gnomAD exomes 0.00003 and 0.00008; 1000 Genomes Project 30x 0.00016; 1000 Genomes Project 0.00020; gnomAD 0.00037 and 0.00039; ExAC 0.00040; TOPMed 0.00049; ESP Exome Variant Server 0.00063.
gnomAD v4.1: 101 of 1,489,040 alleles (0.0068%); highest among the groups gnomAD compares: African/African-American, 0.13%; no homozygotes.

Submission:

Labcorp Genetics (formerly Invitae), Labcorp
Classification: Uncertain significance. Last evaluated: 2025-12-21. Review status: criteria provided, single submitter. Criteria: Invitae Variant Classification Sherloc (09022015). Collection method: clinical testing. Allele origin: germline.
Comment: This sequence change falls in intron 13 of the ARHGEF1 gene. It does not directly change the encoded amino acid sequence of the ARHGEF1 protein. It affects a nucleotide within the consensus splice site. This variant is present in population databases (rs375093075, gnomAD 0.1%), and has an allele count higher than expected for a pathogenic variant. This variant has not been reported in the literature in individuals affected with ARHGEF1-related conditions. ClinVar contains an entry for this variant (Variation ID: 1350536). Variants that disrupt the consensus splice site are a relatively common cause of aberrant splicing (PMID: 17576681, 9536098). Algorithms developed to predict the effect of sequence changes on RNA splicing suggest that this variant is not likely to affect RNA splicing. In summary, the available evidence is currently insufficient to determine the role of this variant in disease. Therefore, it has been classified as a Variant of Uncertain Significance.

Literature cited by the submitters: PubMed 17576681; PubMed 9536098.